The following is an entry in ClinVar:

ClinVar aggregate classification (germline): Benign/Likely benign. Review status: criteria provided, multiple submitters, no conflicts (2 of 4 stars). 4 submissions from 4 submitters: Benign (1); Likely benign (3). Last evaluated 2025-10-21.

Conditions:
Familial acute necrotizing encephalopathy (IIAE3). Also called: ENCEPHALOPATHY, ACUTE, INFECTION-INDUCED, SUSCEPTIBILITY TO, 3; Susceptibility to Acute Necrotizing Encephalopathy 1. Identifiers: Orphanet 88619, MedGen C2675556, MONDO:0011953, OMIM 608033.

Allele frequency attached by ClinVar (database versions not stated): ESP Exome Variant Server 0.00093; gnomAD exomes 0.00897 and 0.01185; 1000 Genomes Project 30x 0.00937; ExAC 0.01556; TOPMed 0.02078; gnomAD 0.02120 and 0.02155.
gnomAD v4.1: 20,049 of 1,563,282 alleles (1.3%); highest among the groups gnomAD compares: Middle Eastern, 1.6%; 824 homozygotes.

Submissions (4):

Labcorp Genetics (formerly Invitae), Labcorp
Classification: Likely benign for Familial acute necrotizing encephalopathy. Last evaluated: 2025-10-21. Review status: criteria provided, single submitter. Criteria: Invitae Variant Classification Sherloc (09022015). Collection method: clinical testing. Allele origin: germline.

Blueprint Genetics
Classification: Likely benign. Last evaluated: 2024-11-26. Review status: criteria provided, single submitter. Criteria: ACMG Guidelines, 2015. Collection method: clinical testing. Allele origin: germline.

GeneDx
Classification: Benign. Last evaluated: 2018-02-16. Review status: criteria provided, single submitter. Criteria: GeneDx Variant Classification (06012015). Collection method: clinical testing. Allele origin: germline. Affected: yes.
Comment: This variant is considered likely benign or benign based on one or more of the following criteria: it is a conservative change, it occurs at a poorly conserved position in the protein, it is predicted to be benign by multiple in silico algorithms, and/or has population frequency not consistent with disease.

Breakthrough Genomics
Classification: Likely benign. Review status: criteria provided, single submitter. Criteria: ACMG Guidelines, 2015. Collection method: not provided. Allele origin: germline. Inheritance: Autosomal dominant inheritance. Affected: yes.

NM_006267.5(RANBP2):c.2056-19A>G

Gene: RANBP2 (RAN binding protein 2; plus strand). Cytogenetic location: 2q13.
Variant type: single nucleotide variant.
Coding change: c.2056-19A>G on transcript NM_006267.5 (MANE Select); 19 bases into the intron before coding-DNA position 2056, A replaced by G.
Molecular consequence: intron variant.
Genome position (GRCh38, 1-based): chr2:108,753,806, A>G. VCF-style: chr2-108753806-A-G. GRCh37 (hg19) VCF-style: chr2-109370262-A-G.
Identifiers: ClinVar variation 380044 (VCV000380044.10), dbSNP rs199880095, ClinGen allele CA1822545.
Genomic context (GRCh38, chr2:108,753,806, plus strand): 5'-ATGAGCCACCATGCGTGGCCAAGCTAAAAGTTTTTTGTTTTAAAAACCTAATGATTTCAT[A>G]AAAGCACTATTTGTATAGATTTTTCACAGGAAGGCAGAAGACATTGAAAATGATGCCCTT-3'